The following is an entry in ClinVar:

NM_015425.6(POLR1A):c.4481G>A (p.Gly1494Glu)

Gene: POLR1A (RNA polymerase I subunit A; minus strand). Cytogenetic location: 2p11.2.
Variant type: single nucleotide variant.
Coding change: c.4481G>A on transcript NM_015425.6 (MANE Select); coding-DNA position 4481, G replaced by A.
Protein change: p.Gly1494Glu; replaces glycine 1494 with glutamic acid.
Molecular consequence: missense variant.
Genome position (GRCh38, 1-based): chr2:86,031,427, C>T on the plus strand (G>A on the coding strand, the complement: POLR1A is on the minus strand). VCF-style: chr2-86031427-C-T. GRCh37 (hg19) VCF-style: chr2-86258550-C-T.
Other names: c.4481G>A (NM_015425.3); short protein forms G1494E.
Identifiers: ClinVar variation 1485430 (VCV001485430.8), dbSNP rs1672386178, ClinGen allele CA347546354.

ClinVar aggregate classification (germline): Uncertain significance. Review status: criteria provided, multiple submitters, no conflicts (2 of 4 stars). 2 submissions from 2 submitters: Uncertain significance (2). Last evaluated 2023-08-14.

Conditions:
Inborn genetic diseases. Identifiers: MedGen C0950123, MeSH D030342.

Allele frequency attached by ClinVar (database versions not stated): gnomAD exomes below 0.00001; TOPMed below 0.00001.
gnomAD v4.1: 3 of 1,613,976 alleles (0.00019%); highest among the groups gnomAD compares: Non-Finnish European, 0.00017%; no homozygotes.

Submissions (2):

Ambry Genetics
Classification: Uncertain significance for Inborn genetic diseases. Last evaluated: 2023-08-14. Review status: criteria provided, single submitter. Criteria: Ambry Variant Classification Scheme 2023. Collection method: clinical testing. Allele origin: germline.

Labcorp Genetics (formerly Invitae), Labcorp
Classification: Uncertain significance. Last evaluated: 2022-06-13. Review status: criteria provided, single submitter. Criteria: Invitae Variant Classification Sherloc (09022015). Collection method: clinical testing. Allele origin: germline.
Comment: This variant has not been reported in the literature in individuals affected with POLR1A-related conditions. This variant is not present in population databases (gnomAD no frequency). This sequence change replaces glycine, which is neutral and non-polar, with glutamic acid, which is acidic and polar, at codon 1494 of the POLR1A protein (p.Gly1494Glu). Algorithms developed to predict the effect of missense changes on protein structure and function output the following: SIFT: "Not Available"; PolyPhen-2: "Benign"; Align-GVGD: "Not Available". The glutamic acid amino acid residue is found in multiple mammalian species, which suggests that this missense change does not adversely affect protein function. In summary, the available evidence is currently insufficient to determine the role of this variant in disease. Therefore, it has been classified as a Variant of Uncertain Significance.